The following is an entry in ClinVar:

ClinVar aggregate classification (germline): Uncertain significance. Review status: criteria provided, multiple submitters, no conflicts (2 of 4 stars). 2 submissions from 2 submitters: Uncertain significance (2). Last evaluated 2025-06-18.

Conditions:
Inborn genetic diseases. Identifiers: MedGen C0950123, MeSH D030342.

Allele frequency attached by ClinVar (database versions not stated): gnomAD 0.00001; gnomAD exomes 0.00002; ExAC 0.00003.
gnomAD v4.1: 31 of 1,612,150 alleles (0.0019%); highest among the groups gnomAD compares: Non-Finnish European, 0.0026%; no homozygotes.

Submissions (2):

Ambry Genetics
Classification: Uncertain significance for Inborn genetic diseases. Last evaluated: 2025-06-18. Review status: criteria provided, single submitter. Criteria: Ambry Variant Classification Scheme 2023. Collection method: clinical testing. Allele origin: germline.

Labcorp Genetics (formerly Invitae), Labcorp
Classification: Uncertain significance. Last evaluated: 2022-10-13. Review status: criteria provided, single submitter. Criteria: Invitae Variant Classification Sherloc (09022015). Collection method: clinical testing. Allele origin: germline.
Comment: This sequence change replaces asparagine, which is neutral and polar, with lysine, which is basic and polar, at codon 429 of the TYRP1 protein (p.Asn429Lys). This variant is present in population databases (rs766719125, gnomAD 0.004%). This variant has not been reported in the literature in individuals affected with TYRP1-related conditions. Advanced modeling of protein sequence and biophysical properties (such as structural, functional, and spatial information, amino acid conservation, physicochemical variation, residue mobility, and thermodynamic stability) performed at Invitae indicates that this missense variant is expected to disrupt TYRP1 protein function. In summary, the available evidence is currently insufficient to determine the role of this variant in disease. Therefore, it has been classified as a Variant of Uncertain Significance.

NM_000550.3(TYRP1):c.1287T>G (p.Asn429Lys)

Genes: LURAP1L-AS1 (LURAP1L antisense RNA 1; minus strand), TYRP1 (tyrosinase related protein 1; plus strand). Cytogenetic location: 9p23.
Variant type: single nucleotide variant.
Coding change: c.1287T>G on transcript NM_000550.3 (MANE Select); coding-DNA position 1287, T replaced by G.
Protein change: p.Asn429Lys; replaces asparagine 429 with lysine.
Molecular consequence: missense variant.
Genome position (GRCh38, 1-based): chr9:12,708,022, T>G. VCF-style: chr9-12708022-T-G. GRCh37 (hg19) VCF-style: chr9-12708022-T-G.
Other names: c.1287T>G (NM_000550.2); short protein forms N429K.
Identifiers: ClinVar variation 1936620 (VCV001936620.3), dbSNP rs766719125, ClinGen allele CA4985520.